The following is an entry in ClinVar:

ClinVar aggregate classification (germline): Uncertain significance (1 of 4 stars; one submission).

Allele frequency attached by ClinVar (database versions not stated): gnomAD below 0.00001 and 0.00001.
gnomAD v4.1: 1 of 1,613,804 alleles (0.000062%); highest among the groups gnomAD compares: South Asian, 0.0011%; no homozygotes.

Submission:

Labcorp Genetics (formerly Invitae), Labcorp
Classification: Uncertain significance. Last evaluated: 2020-10-04. Review status: criteria provided, single submitter. Criteria: Invitae Variant Classification Sherloc (09022015). Collection method: clinical testing. Allele origin: germline.
Comment: This sequence change replaces glutamine with histidine at codon 862 of the ADGRA3 protein (p.Gln862His). The glutamine residue is moderately conserved and there is a small physicochemical difference between glutamine and histidine. This variant is not present in population databases (ExAC no frequency). This variant has not been reported in the literature in individuals with ADGRA3-related conditions. Algorithms developed to predict the effect of missense changes on protein structure and function are either unavailable or do not agree on the potential impact of this missense change (SIFT: "Deleterious"; PolyPhen-2: "Probably Damaging"; Align-GVGD: "Class C0"). In summary, the available evidence is currently insufficient to determine the role of this variant in disease. Therefore, it has been classified as a Variant of Uncertain Significance.

NM_145290.4(ADGRA3):c.2586G>C (p.Gln862His)

Gene: ADGRA3 (adhesion G protein-coupled receptor A3; minus strand). Cytogenetic location: 4p15.2.
Variant type: single nucleotide variant.
Coding change: c.2586G>C on transcript NM_145290.4 (MANE Select); coding-DNA position 2586, G replaced by C.
Protein change: p.Gln862His; replaces glutamine 862 with histidine.
Molecular consequence: missense variant.
Genome position (GRCh38, 1-based): chr4:22,392,586, C>G on the plus strand (G>C on the coding strand, the complement: ADGRA3 is on the minus strand). VCF-style: chr4-22392586-C-G. GRCh37 (hg19) VCF-style: chr4-22394209-C-G.
Other names: short protein forms Q862H.
Identifiers: ClinVar variation 1046722 (VCV001046722.8), dbSNP rs1714178209, ClinGen allele CA356475961.